The following is an entry in ClinVar:

ClinVar aggregate classification (germline): Uncertain significance (1 of 4 stars; one submission).

Conditions:
Cardiovascular phenotype. Identifiers: MedGen CN230736.

Submission:

Ambry Genetics
Classification: Uncertain significance for Cardiovascular phenotype. Last evaluated: 2024-06-06. Review status: criteria provided, single submitter. Criteria: Ambry Variant Classification Scheme 2023. Collection method: clinical testing. Allele origin: germline.
Comment: The p.G1334W variant (also known as c.4000G>T), located in coding exon 29 of the LAMA4 gene, results from a G to T substitution at nucleotide position 4000. The glycine at codon 1334 is replaced by tryptophan, an amino acid with highly dissimilar properties. This amino acid position is conserved. In addition, the in silico prediction for this alteration is inconclusive. Based on the available evidence, the clinical significance of this variant remains unclear.

NM_001105206.3(LAMA4):c.4021G>T (p.Gly1341Trp)

Gene: LAMA4 (laminin subunit alpha 4; minus strand). Cytogenetic location: 6q21.
Variant type: single nucleotide variant.
Coding change: c.4021G>T on transcript NM_001105206.3 (MANE Select); coding-DNA position 4021, G replaced by T.
Protein change: p.Gly1341Trp; replaces glycine 1341 with tryptophan.
Molecular consequence: missense variant.
Genome position (GRCh38, 1-based): chr6:112,129,988, C>A on the plus strand (G>T on the coding strand, the complement: LAMA4 is on the minus strand). VCF-style: chr6-112129988-C-A. GRCh37 (hg19) VCF-style: chr6-112451190-C-A.
Other names: c.4000G>T, p.Gly1334Trp (NM_001105207.3, NM_002290.5); short protein forms G1341W, G1334W.
Identifiers: ClinVar variation 3289952 (VCV003289952.1).